The following is an entry in ClinVar:

ClinVar aggregate classification (germline): Benign/Likely benign. Review status: criteria provided, multiple submitters, no conflicts (2 of 4 stars). 6 submissions from 6 submitters: Benign (4); Likely benign (2). Last evaluated 2026-08-01.

Conditions:
Isolated cryptophthalmia. Also called: ANKYLOBLEPHARON, SIMPLE; Cryptophthalmos, unilateral or bilateral, isolated. Identifiers: Orphanet 91396, MedGen C1852453, MONDO:0007410, OMIM 123570.
Fraser syndrome 2 (FRASRS2). Identifiers: MedGen C4540036, MONDO:0054738, OMIM 617666.

Allele frequency attached by ClinVar (database versions not stated): 1000 Genomes Project 30x 0.00297; 1000 Genomes Project 0.00300; TOPMed 0.00526; ESP Exome Variant Server 0.00623; gnomAD 0.00768 and 0.00784; gnomAD exomes 0.00807 and 0.00866; ExAC 0.00865.
gnomAD v4.1: 12,849 of 1,613,570 alleles (0.8%); highest among the groups gnomAD compares: Non-Finnish European, 0.81%; 102 homozygotes.

Submissions (6):

CeGaT Center for Human Genetics Tuebingen
Classification: Likely benign. Last evaluated: 2026-08-01. Review status: criteria provided, single submitter. Criteria: CeGaT Center For Human Genetics Tuebingen Variant Classification Criteria Version 2. Collection method: clinical testing. Allele origin: germline. Affected: yes. Observed: 4 variant alleles.
Comment: FREM2: BP4, BP7, BS2

Labcorp Genetics (formerly Invitae), Labcorp
Classification: Benign. Last evaluated: 2026-02-02. Review status: criteria provided, single submitter. Criteria: Invitae Variant Classification Sherloc (09022015). Collection method: clinical testing. Allele origin: germline.

Fulgent Genetics
Classification: Likely benign for Isolated cryptophthalmia; Fraser syndrome 2. Last evaluated: 2022-01-06. Review status: criteria provided, single submitter. Criteria: ACMG Guidelines, 2015. Collection method: clinical testing. Allele origin: unknown.

Genetic Services Laboratory, University of Chicago
Classification: Benign. Last evaluated: 2018-01-18. Review status: criteria provided, single submitter. Criteria: ACMG Guidelines, 2015. Collection method: clinical testing. Allele origin: germline. Affected: no.

Illumina Laboratory Services, Illumina
Classification: Benign for Fraser syndrome 2. Last evaluated: 2018-01-13. Review status: criteria provided, single submitter. Criteria: ICSL Variant Classification Criteria 13 December 2019. Collection method: clinical testing. Allele origin: germline.
Comment: This variant was observed in the ICSL laboratory as part of a predisposition screen in an ostensibly healthy population. It had not been previously curated by ICSL or reported in the Human Gene Mutation Database (HGMD: prior to June 1st, 2018), and was therefore a candidate for classification through an automated scoring system. Utilizing variant allele frequency, disease prevalence and penetrance estimates, and inheritance mode, an automated score was calculated to assess if this variant is too frequent to cause the disease. Based on the score and internal cut-off values, a variant classified as benign is not then subjected to further curation. The score for this variant resulted in a classification of benign for this disease.

Breakthrough Genomics
Classification: Benign. Review status: criteria provided, single submitter. Criteria: ACMG Guidelines, 2015. Collection method: not provided. Allele origin: germline. Inheritance: Autosomal recessive inheritance. Affected: yes.

NM_207361.6(FREM2):c.1518C>T (p.Ser506=)

Gene: FREM2 (FRAS1 related extracellular matrix 2; plus strand). Cytogenetic location: 13q13.3.
Variant type: single nucleotide variant.
Coding change: c.1518C>T on transcript NM_207361.6 (MANE Select); coding-DNA position 1518, C replaced by T.
Protein change: p.Ser506=; no amino-acid change (serine 506 retained).
Molecular consequence: synonymous variant.
Genome position (GRCh38, 1-based): chr13:38,688,862, C>T. VCF-style: chr13-38688862-C-T. GRCh37 (hg19) VCF-style: chr13-39262999-C-T.
Identifiers: ClinVar variation 311948 (VCV000311948.41), dbSNP rs141821695, ClinGen allele CA6954425.